The following is an entry in ClinVar:

NM_031372.4(HNRNPDL):c.32C>T (p.Pro11Leu)

Gene: HNRNPDL (heterogeneous nuclear ribonucleoprotein D like; minus strand). Cytogenetic location: 4q21.22.
Variant type: single nucleotide variant.
Coding change: c.32C>T on transcript NM_031372.4 (MANE Select); coding-DNA position 32, C replaced by T.
Protein change: p.Pro11Leu; replaces proline 11 with leucine.
Molecular consequence: missense variant. On other transcripts: non-coding transcript variant (1).
Genome position (GRCh38, 1-based): chr4:82,429,659, G>A on the plus strand (C>T on the coding strand, the complement: HNRNPDL is on the minus strand). VCF-style: chr4-82429659-G-A. GRCh37 (hg19) VCF-style: chr4-83350812-G-A.
Other names: c.32C>T, p.Pro11Leu (NM_001207000.1); short protein forms P11L.
Identifiers: ClinVar variation 3898047 (VCV003898047.1).

ClinVar aggregate classification (germline): Uncertain significance (1 of 4 stars; one submission).

Conditions:
Autosomal dominant limb-girdle muscular dystrophy type 1G (LGMDD3). Also called: MUSCULAR DYSTROPHY, LIMB-GIRDLE, AUTOSOMAL DOMINANT 3; Limb-girdle muscular dystrophy, type 1G. Identifiers: Orphanet 55596, MedGen C1836765, MONDO:0012193, OMIM 609115.

gnomAD v4.1: 3 of 1,366,252 alleles (0.00022%); highest among the groups gnomAD compares: African/African-American, 0.0031%; no homozygotes.

Submission:

Neuberg Centre For Genomic Medicine, NCGM
Classification: Uncertain significance for Autosomal dominant limb-girdle muscular dystrophy type 1G. Last evaluated: 2024-02-01. Review status: criteria provided, single submitter. Criteria: ACMG Guidelines, 2015. Collection method: clinical testing. Allele origin: germline. Inheritance: Autosomal dominant inheritance.
Comment: The above variant has not been previously reported as a pathogenic nor as a benign variant, to our knowledge,